The following is an entry in ClinVar:

NM_003072.5(SMARCA4):c.2900G>C (p.Arg967Pro)

Gene: SMARCA4 (SWI/SNF related, matrix associated, actin dependent regulator of chromatin, subfamily a, member 4; plus strand). Cytogenetic location: 19p13.2.
Variant type: single nucleotide variant.
Coding change: c.2900G>C on transcript NM_003072.5 (MANE Select); coding-DNA position 2900, G replaced by C.
Protein change: p.Arg967Pro; replaces arginine 967 with proline.
Molecular consequence: missense variant. On other transcripts: non-coding transcript variant (1).
Genome position (GRCh38, 1-based): chr19:11,023,558, G>C. VCF-style: chr19-11023558-G-C. GRCh37 (hg19) VCF-style: chr19-11134234-G-C.
Other names: c.2900G>C, p.Arg967Pro (NM_001128844.3, NM_001128845.2, NM_001128846.2 and 5 more transcripts); short protein forms R967P.
Identifiers: ClinVar variation 426736 (VCV000426736.2), dbSNP rs1085307769, ClinGen allele CA404057550.
Genomic context (GRCh38, chr19:11,023,558, plus strand): 5'-CCTGTCTTGGGGGCTTCCAGGTGGACCTGAATGAGGAGGAAACCATTCTCATCATCCGGC[G>C]TCTCCACAAAGTGCTGCGGCCCTTCTTGCTCCGACGACTCAAGAAGGAAGTCGAGGCCCA-3'
Protein context (NP_003063.2, residues 957-977): NEEETILIIR[Arg967Pro]LHKVLRPFLL

ClinVar aggregate classification (germline): Likely pathogenic (1 of 4 stars; one submission).

Submission:

GeneDx
Classification: Likely pathogenic. Last evaluated: 2017-04-06. Review status: criteria provided, single submitter. Criteria: GeneDx Variant Classification (06012015). Collection method: clinical testing. Allele origin: germline. Affected: yes.
Comment: The R967P variant in the SMARCA4 gene has not been reported previously as a pathogenic variant, nor as a benign variant, to our knowledge. The R967P variant is not observed in large population cohorts (Lek et al., 2016; 1000 Genomes Consortium et al., 2015; Exome Variant Server). The R967P variant is a non-conservative amino acid substitution, which is likely to impact secondary protein structure as these residues differ in polarity, charge, size and/or other properties. This substitution occurs at a position that is conserved across species and occurs within the SNF2_N/ATPase domain (Witkowski et al., 2014). In silico analysis predicts this variant is probably damaging to the protein structure/function. The R967P variant is a strong candidate for a pathogenic variant, however the possibility it may be a rare benign variant cannot be excluded.